The following is an entry in ClinVar:

NM_022114.4(PRDM16):c.334C>T (p.Pro112Ser)

Gene: PRDM16 (PR/SET domain 16; plus strand). Cytogenetic location: 1p36.32.
Variant type: single nucleotide variant.
Coding change: c.334C>T on transcript NM_022114.4 (MANE Select); coding-DNA position 334, C replaced by T.
Protein change: p.Pro112Ser; replaces proline 112 with serine.
Molecular consequence: missense variant.
Genome position (GRCh38, 1-based): chr1:3,186,421, C>T. VCF-style: chr1-3186421-C-T. GRCh37 (hg19) VCF-style: chr1-3102985-C-T.
Other names: c.334C>T, p.Pro112Ser (NM_199454.3); short protein forms P112S.
Identifiers: ClinVar variation 1311947 (VCV001311947.2), dbSNP rs2100798234, ClinGen allele CA338215885.

ClinVar aggregate classification (germline): Uncertain significance (1 of 4 stars; one submission).

Allele frequency attached by ClinVar (database versions not stated): gnomAD exomes below 0.00001.
gnomAD v4.1: 1 of 1,583,738 alleles (0.000063%); highest among the groups gnomAD compares: Non-Finnish European, 0.000086%; no homozygotes.

Submission:

GeneDx
Classification: Uncertain significance. Last evaluated: 2020-01-17. Review status: criteria provided, single submitter. Criteria: GeneDx Variant Classification Process June 2021. Collection method: clinical testing. Allele origin: germline. Affected: yes.
Comment: Has not been previously published as pathogenic or benign to our knowledge; Not observed in large population cohorts (Lek et al., 2016); In silico analysis, which includes protein predictors and evolutionary conservation, supports a deleterious effect